The following is an entry in ClinVar:

NM_001142864.4(PIEZO1):c.3196+7G>C

Genes: HSALR1 (HSP90AB1 associated lncRNA 1; plus strand), PIEZO1 (piezo type mechanosensitive ion channel component 1 (Er blood group); minus strand). Cytogenetic location: 16q24.3.
Variant type: single nucleotide variant.
Coding change: c.3196+7G>C on transcript NM_001142864.4 (MANE Select); 7 bases into the intron after coding-DNA position 3196, G replaced by C.
Molecular consequence: intron variant.
Genome position (GRCh38, 1-based): chr16:88,731,699, C>G on the plus strand (G>C on the coding strand, the complement: PIEZO1 is on the minus strand). VCF-style: chr16-88731699-C-G. GRCh37 (hg19) VCF-style: chr16-88798107-C-G.
Identifiers: ClinVar variation 3905167 (VCV003905167.10).

ClinVar aggregate classification (germline): Uncertain significance (1 of 4 stars; one submission).

gnomAD v4.1: 46 of 1,548,392 alleles (0.003%); highest among the groups gnomAD compares: Admixed American, 0.0039%; no homozygotes.

Submission:

CeGaT Center for Human Genetics Tuebingen
Classification: Uncertain significance. Last evaluated: 2025-05-01. Review status: criteria provided, single submitter. Criteria: CeGaT Center For Human Genetics Tuebingen Variant Classification Criteria Version 2. Collection method: clinical testing. Allele origin: germline. Affected: yes. Observed: 1 variant allele.
Comment: PIEZO1: PM2, BP4